The following is an entry in ClinVar:

NM_000884.3(IMPDH2):c.611G>C (p.Ser204Thr)

Gene: IMPDH2 (inosine monophosphate dehydrogenase 2; minus strand). Cytogenetic location: 3p21.31.
Variant type: single nucleotide variant.
Coding change: c.611G>C on transcript NM_000884.3 (MANE Select); coding-DNA position 611, G replaced by C.
Protein change: p.Ser204Thr; replaces serine 204 with threonine.
Molecular consequence: missense variant.
Genome position (GRCh38, 1-based): chr3:49,026,968, C>G on the plus strand (G>C on the coding strand, the complement: IMPDH2 is on the minus strand). VCF-style: chr3-49026968-C-G. GRCh37 (hg19) VCF-style: chr3-49064401-C-G.
Other names: c.611G>C, p.Ser204Thr (NM_001410759.1); c.536G>C, p.Ser179Thr (NM_001410760.1, NM_001410761.1); short protein forms S179T, S204T.
Identifiers: ClinVar variation 3370887 (VCV003370887.1).

ClinVar aggregate classification (germline): Uncertain significance (1 of 4 stars; one submission).

Submission:

GeneDx
Classification: Uncertain significance. Last evaluated: 2024-03-12. Review status: criteria provided, single submitter. Criteria: GeneDx Variant Classification Process June 2021. Collection method: clinical testing. Allele origin: germline. Affected: yes.
Comment: Not observed at significant frequency in large population cohorts (gnomAD); In silico analysis supports that this missense variant has a deleterious effect on protein structure/function; Has not been previously published as pathogenic or benign to our knowledge